The following is an entry in ClinVar:

ClinVar aggregate classification (germline): Conflicting classifications of pathogenicity. Review status: criteria provided, conflicting classifications (1 of 4 stars). 21 submissions from 19 submitters: Uncertain significance (1); Benign (1); Likely benign (15). 4 of the submissions do not count toward it. Last evaluated 2026-01-28.

Conditions:
DSP-related disorder. Also called: DSP-related condition; DSP-related disorders.
Cardiovascular phenotype. Identifiers: MedGen CN230736.
Cardiomyopathy (CMYO). Also called: Cardiomyopathies. Identifiers: Orphanet 167848, MedGen C0878544, MONDO:0004994, HP:0001638. Inheritance: Various modes of inheritance.
Arrhythmogenic right ventricular dysplasia 8 (ARVD8). Also called: Arrhythmogenic Right Ventricular Dysplasia/Cardiomyopathy 8; ARRHYTHMOGENIC RIGHT VENTRICULAR DYSPLASIA, FAMILIAL, 8; ARRHYTHMOGENIC RIGHT VENTRICULAR CARDIOMYOPATHY 8. Identifiers: MedGen C1843896, MONDO:0011831, OMIM 607450.
Arrhythmogenic cardiomyopathy with wooly hair and keratoderma. Also called: PALMOPLANTAR KERATODERMA WITH LEFT VENTRICULAR CARDIOMYOPATHY AND WOOLLY HAIR; Carvajal syndrome; Dilated cardiomyopathy with woolly hair and keratoderma; Arrhythmogenic cardiomyopathy with woolly hair and keratoderma. Identifiers: Orphanet 65282, MedGen C1854063, MONDO:0011581, OMIM 605676.
Woolly hair-skin fragility syndrome (WHSF). Identifiers: Orphanet 293165, MedGen C1843292, MONDO:0957307, OMIM 620415.
Lethal acantholytic epidermolysis bullosa (EBLA). Identifiers: Orphanet 158687, MedGen C1864826, MONDO:0012323, OMIM 609638.
Primary dilated cardiomyopathy (DCM). Also called: Dilated Cardiomyopathy. Identifiers: Orphanet 217604, MedGen C0007193, MeSH D002311, MONDO:0005021, HP:0001644. Inheritance: Various modes of inheritance.

Allele frequency attached by ClinVar (database versions not stated): gnomAD 0.00033 and 0.00038; ESP Exome Variant Server 0.00038; TOPMed 0.00039; 1000 Genomes Project 0.00040; 1000 Genomes Project 30x 0.00047.
gnomAD v4.1: 894 of 1,614,184 alleles (0.055%); highest among the groups gnomAD compares: South Asian, 0.33%; 1 homozygote.

Submissions 1 to 15 of 21:

Labcorp Genetics (formerly Invitae), Labcorp
Classification: Likely benign for Arrhythmogenic cardiomyopathy with wooly hair and keratoderma; Arrhythmogenic right ventricular dysplasia 8. Last evaluated: 2026-01-28. Review status: criteria provided, single submitter. Criteria: Invitae Variant Classification Sherloc (09022015). Collection method: clinical testing. Allele origin: germline.

CeGaT Center for Human Genetics Tuebingen
Classification: Likely benign. Last evaluated: 2025-12-01. Review status: criteria provided, single submitter. Criteria: CeGaT Center For Human Genetics Tuebingen Variant Classification Criteria Version 2. Collection method: clinical testing. Allele origin: germline. Affected: yes. Observed: 5 variant alleles.
Comment: DSP: BS2

Molecular Diagnostic Laboratory for Inherited Cardiovascular Disease, Montreal Heart Institute
Classification: Likely benign. Last evaluated: 2025-04-08. Review status: criteria provided, single submitter. Criteria: ACMG Guidelines, 2015. Collection method: clinical testing. Allele origin: germline. Affected: no.
Comment: BS1;

Blueprint Genetics
Classification: Likely benign. Last evaluated: 2024-11-21. Review status: criteria provided, single submitter. Criteria: ACMG Guidelines, 2015. Collection method: clinical testing. Allele origin: germline.

All of Us Research Program, National Institutes of Health
Classification: Likely benign for Arrhythmogenic cardiomyopathy with wooly hair and keratoderma. Last evaluated: 2024-09-30. Review status: criteria provided, single submitter. Criteria: ACMG Guidelines, 2015. Collection method: clinical testing. Allele origin: germline. Inheritance: Autosomal dominant inheritance. Observed: 147 variant alleles, 147 heterozygotes.
Comment: This study involves interpretation of variants in research participants for the purpose of population health screening. Participant phenotype was not available at the time of variant classification. Additional details can be found in publication PMID: 35346344, PMCID: PMC8962531

CHEO Genetics Diagnostic Laboratory, Children's Hospital of Eastern Ontario
Classification: Benign for Cardiomyopathy. Last evaluated: 2023-02-10. Review status: criteria provided, single submitter. Criteria: ACMG Guidelines, 2015. Collection method: clinical testing. Allele origin: germline. Study: Canadian Open Genetics Repository.

Victorian Clinical Genetics Services, Murdoch Childrens Research Institute
Classification: Likely benign for Primary dilated cardiomyopathy. Last evaluated: 2022-09-02. Review status: criteria provided, single submitter. Criteria: ACMG Guidelines, 2015. Collection method: clinical testing. Allele origin: germline. Affected: yes.
Comment: Based on the classification scheme VCGS_Germline_v1.3.4, this variant is classified as Likely Benign. Following criteria are met: 0102 - Loss of function is a known mechanism of disease in this gene and is associated with ARVC (MIM#607450) and other DSP-associated cardiac disorders. (I) 0108 - This gene is associated with both recessive and dominant disease. Variants in this gene are usually inherited in a dominant manner, however rare reports of recessive inheritance have resulted in a more severe cardiac phenotype (OMIM). (I) 0112 - The condition associated with this gene has incomplete penetrance (PMID: 29062697). (I) 0115 - Variants in this gene are known to have variable expressivity (PMID: 29062697). (I) 0251 - This variant is heterozygous. (I) 0200 - Variant is predicted to result in a missense amino acid change from asparagine to lysine. (I) 0308 - Population frequency for this variant is out of keeping with known incidence of DSP-related ARVC and other associated disorders (gnomAD v2: 194 heterozygotes, 1 homozygote). (SB) 0503 - Missense variant consistently predicted to be tolerated by multiple in silico tools or not conserved in placental mammals with a minor amino acid change. (SB) 0604 - Variant is not located in an established domain, motif, hotspot or informative constraint region. (I) 0705 - No alternative variants at the same position have previous evidence for pathogenicity. (I) 0806 - This variant has moderate previous evidence of being benign in unrelated individuals (ClinVar, PMID: 20829228). (SB) 0905 - No published segregation evidence has been identified for this variant. (I) 1007 - No published functional evidence has been identified for this variant. (I) 1208 - Inheritance information for this variant is not currently available in this individual. (I) Legend: (SP) - Supporting Pathogenic, (I) – Information, (SB) – Supporting Benign

Klaassen Lab, Charite University Medicine Berlin
Classification: Uncertain significance for Primary dilated cardiomyopathy. Last evaluated: 2019-07-03. Review status: criteria provided, single submitter. Criteria: ACMG Guidelines, 2015. Collection method: research. Allele origin: germline. Affected: yes.

GeneDx
Classification: Likely benign. Last evaluated: 2019-06-05. Review status: criteria provided, single submitter. Criteria: GeneDx Variant Classification Process June 2021. Collection method: clinical testing. Allele origin: germline. Affected: yes.
Comment: This variant is associated with the following publications: (PMID: 23396983, 23861362, 28600387, 20829228, 31402444)

Ambry Genetics
Classification: Likely benign for Cardiovascular phenotype. Last evaluated: 2018-09-13. Review status: criteria provided, single submitter. Criteria: Ambry Variant Classification Scheme 2023. Collection method: clinical testing. Allele origin: germline.

Illumina Laboratory Services, Illumina
Classification: Likely benign for Lethal acantholytic epidermolysis bullosa. Last evaluated: 2018-05-31. Review status: criteria provided, single submitter. Criteria: ICSL Variant Classification Criteria 13 December 2019. Collection method: clinical testing. Allele origin: germline.
Comment: This variant was observed as part of a predisposition screen in an ostensibly healthy population. A literature search was performed for the gene, cDNA change, and amino acid change (where applicable). No publications were found based on this search. Allele frequency data from public databases allowed determination this variant is unlikely to cause disease. Therefore, this variant is classified as likely benign.

Illumina Laboratory Services, Illumina
Classification: Likely benign for Arrhythmogenic right ventricular dysplasia 8. Last evaluated: 2018-05-31. Review status: criteria provided, single submitter. Criteria: ICSL Variant Classification Criteria 13 December 2019. Collection method: clinical testing. Allele origin: germline.
Comment: This variant was observed as part of a predisposition screen in an ostensibly healthy population. A literature search was performed for the gene, cDNA change, and amino acid change (where applicable). Publications were found based on this search. The evidence from the literature, in combination with allele frequency data from public databases where available, was sufficient to determine this variant is unlikely to cause disease. Therefore, this variant is classified as likely benign.

Illumina Laboratory Services, Illumina
Classification: Likely benign for Arrhythmogenic cardiomyopathy with wooly hair and keratoderma. Last evaluated: 2018-05-31. Review status: criteria provided, single submitter. Criteria: ICSL Variant Classification Criteria 13 December 2019. Collection method: clinical testing. Allele origin: germline.
Comment: the same text as in the submission from Illumina Laboratory Services, Illumina above.

Laboratory for Molecular Medicine, Mass General Brigham Personalized Medicine
Classification: Likely benign. Last evaluated: 2018-04-10. Review status: criteria provided, single submitter. Criteria: LMM Criteria. Collection method: clinical testing. Allele origin: germline. Observed: 2 variant alleles.
Comment: proposed classification - variant undergoing re-assessment, contact laboratory

Color Diagnostics, LLC DBA Color Health
Classification: Likely benign for Cardiomyopathy. Last evaluated: 2018-04-07. Review status: criteria provided, single submitter. Criteria: ACMG Guidelines, 2015. Collection method: clinical testing. Allele origin: germline.

NM_004415.4(DSP):c.5178C>A (p.Asn1726Lys)

Gene: DSP (desmoplakin; plus strand). Cytogenetic location: 6p24.3.
Variant type: single nucleotide variant.
Coding change: c.5178C>A on transcript NM_004415.4 (MANE Select); coding-DNA position 5178, C replaced by A.
Protein change: p.Asn1726Lys; replaces asparagine 1726 with lysine.
Molecular consequence: missense variant. On other transcripts: intron variant (2).
Genome position (GRCh38, 1-based): chr6:7,581,368, C>A. VCF-style: chr6-7581368-C-A. GRCh37 (hg19) VCF-style: chr6-7581601-C-A.
Other names: p.N1726K:AAC>AAA; c.4050+1128C>A (NM_001319034.2); c.3583-1274C>A (NM_001008844.3); short protein forms N1726K.
Identifiers: ClinVar variation 178032 (VCV000178032.81), dbSNP rs147415451, ClinGen allele CA004621.
Genomic context (GRCh38, chr6:7,581,368, plus strand): 5'-GCAGTCTCTCACAGAGAACCTGACCAAGGAGCACTTGATGTTAGAAGAAGAACTGCGGAA[C>A]CTGAGGCTGGAGTACGATGACCTGAGGAGAGGACGAAGCGAAGCGGACAGTGATAAAAAT-3'
Protein context (NP_004406.2, residues 1716-1736): EHLMLEEELR[Asn1726Lys]LRLEYDDLRR